The following is an entry in ClinVar:

NM_000039.3(APOA1):c.530G>C (p.Arg177Pro)

Gene: APOA1 (apolipoprotein A1; minus strand). Cytogenetic location: 11q23.3.
Variant type: single nucleotide variant.
Coding change: c.530G>C on transcript NM_000039.3 (MANE Select); coding-DNA position 530, G replaced by C.
Protein change: p.Arg177Pro; replaces arginine 177 with proline.
Molecular consequence: missense variant.
Genome position (GRCh38, 1-based): chr11:116,836,082, C>G on the plus strand (G>C on the coding strand, the complement: APOA1 is on the minus strand). VCF-style: chr11-116836082-C-G. GRCh37 (hg19) VCF-style: chr11-116706798-C-G.
Other names: c.530G>C, p.Arg177Pro (NM_001318017.2, NM_001318018.2); c.203G>C, p.Arg68Pro (NM_001318021.2); short protein forms R177P, R68P.
Identifiers: ClinVar variation 1304677 (VCV001304677.2), dbSNP rs1264352930, ClinGen allele CA382715320.
Genomic context (GRCh38, chr11:116,836,082, plus strand): 5'-CGCTGGCGCAGCTCGTCGCTGTAGGGGGCCAGATGCGTGCGCAGCGCGTCCACATGGGCG[C>G]GCGCGCGGTCGCGCATCTCCTCGCCCAGTGGGCTCAGCTTCTCTTGCAGCTCGTGCAGCT-3'
Protein context (NP_000030.1, residues 167-187): PLGEEMRDRA[Arg177Pro]AHVDALRTHL

ClinVar aggregate classification (germline): Uncertain significance (1 of 4 stars; one submission).

Submission:

GeneDx
Classification: Uncertain significance. Last evaluated: 2021-02-03. Review status: criteria provided, single submitter. Criteria: GeneDx Variant Classification Process June 2021. Collection method: clinical testing. Allele origin: germline. Affected: yes.
Comment: Not observed in large population cohorts (Lek et al., 2016); In silico analysis supports that this missense variant has a deleterious effect on protein structure/function; This variant is associated with the following publications: (PMID: 17991432)